The following is an entry in ClinVar:

ClinVar aggregate classification (germline): Uncertain significance. Review status: criteria provided, multiple submitters, no conflicts (2 of 4 stars). 6 submissions from 6 submitters: Uncertain significance (5). 1 of the submissions does not count toward it. Last evaluated 2025-05-28.

Conditions:
Autosomal recessive limb-girdle muscular dystrophy type 2D (LGMDR3). Also called: DUCHENNE-LIKE AUTOSOMAL RECESSIVE MUSCULAR DYSTROPHY, TYPE 2; ADHALINOPATHY, PRIMARY; MUSCULAR DYSTROPHY, LIMB-GIRDLE, AUTOSOMAL RECESSIVE 3. Identifiers: Orphanet 62, MedGen C2936332, MONDO:0011968, OMIM 608099. Disease mechanism: Affects gamma-sarcoglycan and also disrupts the integrity of the entire sarcoglycan complex..
Inborn genetic diseases. Identifiers: MedGen C0950123, MeSH D030342.

Allele frequency attached by ClinVar (database versions not stated): ExAC 0.00001; gnomAD 0.00002; gnomAD exomes 0.00002; TOPMed 0.00003; ESP Exome Variant Server 0.00008.
gnomAD v4.1: 61 of 1,613,028 alleles (0.0038%); highest among the groups gnomAD compares: South Asian, 0.014%; no homozygotes.

Submissions (6):

Ambry Genetics
Classification: Uncertain significance for Inborn genetic diseases. Last evaluated: 2025-05-28. Review status: criteria provided, single submitter. Criteria: Ambry Variant Classification Scheme 2023. Collection method: clinical testing. Allele origin: germline.

Genome-Nilou Lab
Classification: Uncertain significance for Autosomal recessive limb-girdle muscular dystrophy type 2D. Last evaluated: 2023-02-08. Review status: criteria provided, single submitter. Criteria: ACMG Guidelines, 2015. Collection method: clinical testing. Allele origin: germline.

Labcorp Genetics (formerly Invitae), Labcorp
Classification: Uncertain significance for Autosomal recessive limb-girdle muscular dystrophy type 2D. Last evaluated: 2021-11-01. Review status: criteria provided, single submitter. Criteria: Invitae Variant Classification Sherloc (09022015). Collection method: clinical testing. Allele origin: germline.
Comment: This sequence change replaces alanine, which is neutral and non-polar, with threonine, which is neutral and polar, at codon 378 of the SGCA protein (p.Ala378Thr). This variant is present in population databases (rs375692868, gnomAD 0.004%). This variant has not been reported in the literature in individuals affected with SGCA-related conditions. ClinVar contains an entry for this variant (Variation ID: 290522). Advanced modeling of protein sequence and biophysical properties (such as structural, functional, and spatial information, amino acid conservation, physicochemical variation, residue mobility, and thermodynamic stability) performed at Invitae indicates that this missense variant is not expected to disrupt SGCA protein function. In summary, the available evidence is currently insufficient to determine the role of this variant in disease. Therefore, it has been classified as a Variant of Uncertain Significance.

Revvity Omics, Revvity
Classification: Uncertain significance for Autosomal recessive limb-girdle muscular dystrophy type 2D. Last evaluated: 2019-12-09. Review status: criteria provided, single submitter. Criteria: ACMG Guidelines, 2015. Collection method: clinical testing. Allele origin: germline.

Eurofins Ntd Llc (ga)
Classification: Uncertain significance. Last evaluated: 2016-09-01. Review status: criteria provided, single submitter. Criteria: EGL Classification Definitions 2015. Collection method: clinical testing. Allele origin: germline. Observed: 1 variant allele, 1 heterozygote.

Natera, Inc.
Classification: Uncertain significance for Limb-girdle muscular dystrophy type 2D. Last evaluated: 2019-11-11. Review status: no assertion criteria provided. Collection method: clinical testing. Allele origin: germline. Not counted in ClinVar's aggregate classification.

NM_000023.4(SGCA):c.1132G>A (p.Ala378Thr)

Gene: SGCA (sarcoglycan alpha; plus strand). Cytogenetic location: 17q21.33.
Variant type: single nucleotide variant.
Coding change: c.1132G>A on transcript NM_000023.4 (MANE Select); coding-DNA position 1132, G replaced by A.
Protein change: p.Ala378Thr; replaces alanine 378 with threonine.
Molecular consequence: missense variant. On other transcripts: non-coding transcript variant (1).
Genome position (GRCh38, 1-based): chr17:50,175,405, G>A. VCF-style: chr17-50175405-G-A. GRCh37 (hg19) VCF-style: chr17-48252766-G-A.
Other names: c.760G>A, p.Ala254Thr (NM_001135697.3); short protein forms A378T, A254T.
Identifiers: ClinVar variation 290522 (VCV000290522.14), dbSNP rs375692868, ClinGen allele CA8644093.